The following is an entry in ClinVar:

NM_002485.5(NBN):c.1237A>G (p.Asn413Asp)

Gene: NBN (nibrin; minus strand). Cytogenetic location: 8q21.3.
Variant type: single nucleotide variant.
Coding change: c.1237A>G on transcript NM_002485.5 (MANE Select); coding-DNA position 1237, A replaced by G.
Protein change: p.Asn413Asp; replaces asparagine 413 with aspartic acid.
Molecular consequence: missense variant.
Genome position (GRCh38, 1-based): chr8:89,955,443, T>C on the plus strand (A>G on the coding strand, the complement: NBN is on the minus strand). VCF-style: chr8-89955443-T-C. GRCh37 (hg19) VCF-style: chr8-90967671-T-C.
Other names: c.991A>G, p.Asn331Asp (NM_001024688.3); short protein forms N331D, N413D.
Identifiers: ClinVar variation 952570 (VCV000952570.11), dbSNP rs1810664293, ClinGen allele CA371656296.

ClinVar aggregate classification (germline): Uncertain significance. Review status: criteria provided, multiple submitters, no conflicts (2 of 4 stars). 2 submissions from 2 submitters: Uncertain significance (2). Last evaluated 2024-07-17.

Conditions:
Microcephaly, normal intelligence and immunodeficiency (NBS). Also called: IMMUNODEFICIENCY, MICROCEPHALY, AND CHROMOSOMAL INSTABILITY; Ataxia telangiectasia variant V1; SEEMANOVA SYNDROME II; BERLIN BREAKAGE SYNDROME; Nijmegen breakage syndrome; Microcephaly with normal intelligence immunodeficiency and lymphoreticular malignancies. Identifiers: Orphanet 647, MedGen C0398791, MONDO:0009623, OMIM 251260.
Hereditary cancer-predisposing syndrome. Also called: Hereditary neoplastic syndrome; Tumor predisposition; Neoplastic Syndromes, Hereditary; Hereditary Cancer Syndrome. Identifiers: Orphanet 140162, MedGen C0027672, MeSH D009386, MONDO:0015356.

Submissions (2):

Labcorp Genetics (formerly Invitae), Labcorp
Classification: Uncertain significance for Microcephaly, normal intelligence and immunodeficiency. Last evaluated: 2024-07-17. Review status: criteria provided, single submitter. Criteria: Invitae Variant Classification Sherloc (09022015). Collection method: clinical testing. Allele origin: germline.
Comment: This sequence change replaces asparagine, which is neutral and polar, with aspartic acid, which is acidic and polar, at codon 413 of the NBN protein (p.Asn413Asp). This variant is not present in population databases (gnomAD no frequency). This variant has not been reported in the literature in individuals affected with NBN-related conditions. ClinVar contains an entry for this variant (Variation ID: 952570). An algorithm developed to predict the effect of missense changes on protein structure and function outputs the following: PolyPhen-2: "Benign". The aspartic acid amino acid residue is found in multiple mammalian species, which suggests that this missense change does not adversely affect protein function. In summary, the available evidence is currently insufficient to determine the role of this variant in disease. Therefore, it has been classified as a Variant of Uncertain Significance.

Ambry Genetics
Classification: Uncertain significance for Hereditary cancer-predisposing syndrome. Last evaluated: 2023-12-14. Review status: criteria provided, single submitter. Criteria: Ambry Variant Classification Scheme 2023. Collection method: clinical testing. Allele origin: germline.
Comment: The p.N413D variant (also known as c.1237A>G), located in coding exon 10 of the NBN gene, results from an A to G substitution at nucleotide position 1237. The asparagine at codon 413 is replaced by aspartic acid, an amino acid with highly similar properties. This amino acid position is poorly conserved in available vertebrate species. In addition, this alteration is predicted to be tolerated by in silico analysis. Since supporting evidence is limited at this time, the clinical significance of this alteration remains unclear.